The following is an entry in ClinVar:

ClinVar aggregate classification (germline): Pathogenic/Likely pathogenic. Review status: criteria provided, multiple submitters, no conflicts (2 of 4 stars). 3 submissions from 3 submitters: Pathogenic (1); Likely pathogenic (2). Last evaluated 2025-06-27.

Conditions:
von Willebrand disease type 1 (VWD1). Also called: VON WILLEBRAND DISEASE, TYPE I; VWD, TYPE 1. Identifiers: Orphanet 166078, Orphanet 903, MedGen C1264039, MONDO:0008668, OMIM 193400. Inheritance: autosomal recessive or autosomal dominant.
von Willebrand disease type 3 (VWD3). Also called: Type 3 Von Willebrand's disease; Type 3 VWD; Von Willebrand disease, severe form; V WD3; VON WILLEBRAND DISEASE, TYPE III. Identifiers: Orphanet 166096, MedGen C1264041, MONDO:0010191, OMIM 277480.
von Willebrand disease type 2 (VWD2). Also called: VON WILLEBRAND DISEASE, TYPE 2A/IIE; VON WILLEBRAND DISEASE, TYPE 2CB; VON WILLEBRAND DISEASE, TYPE II; VWD, TYPE 2. Identifiers: Orphanet 166081, Orphanet 903, MedGen C1264040, MONDO:0013304, OMIM 613554.

Allele frequency attached by ClinVar (database versions not stated): gnomAD exomes below 0.00001 and 0.00001; TOPMed 0.00003.
gnomAD v4.1: 18 of 1,614,140 alleles (0.0011%); highest among the groups gnomAD compares: Non-Finnish European, 0.0013%; no homozygotes.

Submissions (3):

ARUP Laboratories, Molecular Genetics and Genomics, ARUP Laboratories
Classification: Likely pathogenic. Last evaluated: 2025-06-27. Review status: criteria provided, single submitter. Criteria: ARUP Molecular Germline Variant Investigation Process 2024. Collection method: clinical testing. Allele origin: germline.
Comment: The VWF c.7464C>T; p.Gly2488= variant (rs900907976, ClinVar Variation ID: 619755) is reported in the literature in individuals affected with von Willebrand disease type I and type 2M (Conboy 2021, Fidalgo 2017, Liang 2017, Yadegari 2012). Additionally, this variant has been reported in an individual with hemophilia A with a F8 variant that likely explains the phenotype (Borras 2022). This variant is only observed on one allele in the Genome Aggregation Database (v2.1.1), indicating it is not a common polymorphism. This is a synonymous variant in a weakly conserved nucleotide, but computational analyses (Alamut Visual Plus v.1.12) predict that this variant may impact splicing by creating a novel cryptic donor splice site. Additionally, in vitro functional analyses demonstrate aberrant splicing resulting in retention of intron 44 leading to a frameshift (Conboy 2021, Yadegari 2016). Based on available information, this variant is considered to be likely pathogenic. References: Borras N et al. Molecular study of a large cohort of 109 haemophilia patients from Cuba using a gene panel with next generation sequencing-based technology. Haemophilia. 2022 Jan;28(1):125-137. PMID: 34708896. Conboy JG. A Deep Exon Cryptic Splice Site Promotes Aberrant Intron Retention in a Von Willebrand Disease Patient. Int J Mol Sci. 2021 Dec 9;22(24):13248. PMID: 34948044. Fidalgo T et al. VWF collagen (types III and VI)-binding defects in a cohort of type 2M VWD patients - a strategy for improvement of a challenging diagnosis. Haemophilia. 2017 Mar;23(2):e143-e147. PMID: 28083987. Liang Q et al. Molecular and clinical profile of VWD in a large cohort of Chinese population: application of next generation sequencing and CNVplex technique. Thromb Haemost. 2017 Jul 26;117(8):1534-1548. PMID: 28536718. Yadegari H et al. Mutation distribution in the von Willebrand factor gene related to the different von Willebrand disease (VWD) types in a cohort of VWD patients. Thromb Haemost. 2012 Oct;108(4):662-71. PMID: 22871923. Yadegari H et al. Intron retention resulting from a silent mutation in the VWF gene that structurally influences the 5' splice site. Blood. 2016 Oct 27;128(17):2144-2152. PMID: 27543438.

Quest Diagnostics Nichols Institute San Juan Capistrano
Classification: Likely pathogenic. Last evaluated: 2024-09-05. Review status: criteria provided, single submitter. Criteria: Quest Diagnostics criteria. Collection method: clinical testing. Allele origin: unknown.
Comment: The VWF c.7464C>T (p.Gly2488=) synonymous variant has been reported in the published literature in individuals with Type 1 and Type 2M von Willebrand disease (VWD)) (PMIDs: 22871923 (2012), 27543438 (2016), 26988807 (2016), 28971901 (2017), 28083987 (2017), 28536718 (2017)), and shown to induce aberrant splicing in vitro (PMID: 34948044 (2021)). In the same study, this variant was shown to cause inclusion of intronic sequences in the mature mRNA and production of a truncated protein (PMID: 27543438 (2016)). The frequency of this variant in the general population, 0.000004 (1/251270 chromosomes (Genome Aggregation Database)), is uninformative in the assessment of its pathogenicity. Analysis of this variant using software algorithms for the prediction of the effect of nucleotide changes on VWF mRNA splicing yielded predictions that this variant may result in the gain of a cryptic splice site without affecting the natural splice sites. Based on the available information, this variant is classified as likely pathogenic.

Juno Genomics, Hangzhou Juno Genomics, Inc
Classification: Pathogenic for von Willebrand disease type 2; von Willebrand disease type 1; von Willebrand disease type 3. Review status: criteria provided, single submitter. Criteria: ACMG Guidelines, 2015. Collection method: clinical testing. Allele origin: germline.
Comment: Absent from controls (or at extremely low frequency if recessive) in Genome Aggregation Database.;Null variant in a gene where loss of function (LOF) is a known mechanism of disease.;For recessive disorders, detected in trans with a pathogenic variant.

Literature cited by the submitters: PubMed 34948044 (cited by Quest Diagnostics Nichols Institute San Juan Capistrano); PubMed 32951567 (cited by Quest Diagnostics Nichols Institute San Juan Capistrano); PubMed 34708896 (cited by Quest Diagnostics Nichols Institute San Juan Capistrano); PubMed 28536718 (cited by Quest Diagnostics Nichols Institute San Juan Capistrano); PubMed 22871923 (cited by Quest Diagnostics Nichols Institute San Juan Capistrano); PubMed 27543438 (cited by Quest Diagnostics Nichols Institute San Juan Capistrano); PubMed 28971901 (cited by Quest Diagnostics Nichols Institute San Juan Capistrano); PubMed 27789437 (cited by Quest Diagnostics Nichols Institute San Juan Capistrano); PubMed 26988807 (cited by Quest Diagnostics Nichols Institute San Juan Capistrano); PubMed 28083987 (cited by Quest Diagnostics Nichols Institute San Juan Capistrano).

NM_000552.5(VWF):c.7464C>T (p.Gly2488=)

Gene: VWF (von Willebrand factor; minus strand). Cytogenetic location: 12p13.31.
Variant type: single nucleotide variant.
Coding change: c.7464C>T on transcript NM_000552.5 (MANE Select); coding-DNA position 7464, C replaced by T.
Protein change: p.Gly2488=; no amino-acid change (glycine 2488 retained).
Molecular consequence: synonymous variant.
Genome position (GRCh38, 1-based): chr12:5,971,683, G>A on the plus strand (C>T on the coding strand, the complement: VWF is on the minus strand). VCF-style: chr12-5971683-G-A. GRCh37 (hg19) VCF-style: chr12-6080849-G-A.
Other names: c.7464C>T (NM_000552.4).
Identifiers: ClinVar variation 619755 (VCV000619755.7), dbSNP rs900907976, ClinGen allele CA232284628.
Genomic context (GRCh38, chr12:5,971,683, plus strand): 5'-CCCCCGCGGTGAGCCAGTCACCACCTCACAGGCAGATGGCAGGCACCTTCCACAGCACTC[G>A]CCTTCATGCAGAACGTAAGTGAAGCCCTGGAAAAGCAGAAAAAACAGAGTAAGGACAGGC-3'
Protein context (NP_000543.3, residues 2478-2498): RSGFTYVLHE[Gly2488=]ECCGRCLPSA